The following is an entry in ClinVar:

NM_001009944.3(PKD1):c.8065_8067del (p.His2689del)

Gene: PKD1 (polycystin 1, transient receptor potential channel interacting; minus strand). Cytogenetic location: 16p13.3.
Variant type: Deletion.
Coding change: c.8065_8067del on transcript NM_001009944.3 (MANE Select); coding-DNA positions 8065 to 8067, 3 bases deleted (CAC; older notation c.8065_8067delCAC).
Protein change: p.His2689del; deletes histidine 2689.
Molecular consequence: inframe deletion.
Genome position (GRCh38, 1-based): chr16:2,104,592-2,104,594, GTG deleted on the plus strand (CAC on the coding strand, the reverse complement: PKD1 is on the minus strand). VCF-style (leftmost placement, unchanged base first): chr16-2104591-TGTG-T. GRCh37 (hg19) VCF-style: chr16-2154592-TGTG-T.
Other names: c.8065_8067del, p.His2689del (NM_000296.4); short protein forms H2689del.
Identifiers: ClinVar variation 5038178 (VCV005038178.1).

ClinVar aggregate classification (germline): Uncertain significance (1 of 4 stars; one submission).

Conditions:
Polycystic kidney disease, adult type (PKD1). Also called: Polycystic Kidney Disease 1, Autosomal Dominant; POLYCYSTIC KIDNEY DISEASE, ADULT, TYPE I; Polycystic kidney disease 1; Polycystic kidney disease 1, severe; POLYCYSTIC KIDNEY DISEASE 1 WITH OR WITHOUT POLYCYSTIC LIVER DISEASE; Polycystic Kidney, Autosomal Dominant. Identifiers: MedGen C3149841, MONDO:0008263, OMIM 173900.

Submission:

MVZ Medizinische Genetik Mainz
Classification: Uncertain significance for Polycystic kidney disease, adult type. Last evaluated: 2026-10-07. Review status: criteria provided, single submitter. Criteria: UK Practice Guidelines For Variant Classification V4 01 2020. Collection method: clinical testing. Allele origin: germline. Inheritance: Autosomal dominant inheritance. Affected: yes. Observed: 1 variant allele.
Comment: ACMG Criteria: PM2_SUP,PM4_SUP,PP3,PP4